The following is an entry in ClinVar:

NM_138459.5(NUS1):c.214C>T (p.Pro72Ser)

Gene: NUS1 (NUS1 dehydrodolichyl diphosphate synthase subunit; plus strand). Cytogenetic location: 6q22.1.
Variant type: single nucleotide variant.
Coding change: c.214C>T on transcript NM_138459.5 (MANE Select); coding-DNA position 214, C replaced by T.
Protein change: p.Pro72Ser; replaces proline 72 with serine.
Molecular consequence: missense variant.
Genome position (GRCh38, 1-based): chr6:117,675,884, C>T. VCF-style: chr6-117675884-C-T. GRCh37 (hg19) VCF-style: chr6-117997047-C-T.
Other names: short protein forms P72S.
Identifiers: ClinVar variation 2066458 (VCV002066458.5), dbSNP rs1460197813, ClinGen allele CA365536137.

ClinVar aggregate classification (germline): Conflicting classifications of pathogenicity. Review status: criteria provided, conflicting classifications (1 of 4 stars). 2 submissions from 2 submitters: Uncertain significance (1); Likely benign (1). Last evaluated 2022-06-24.

Conditions:
Inborn genetic diseases. Identifiers: MedGen C0950123, MeSH D030342.
Congenital disorder of glycosylation, type Iaa. Also called: Congenital disorder of glycosylation, type 1aa. Identifiers: MedGen C4310727, MONDO:0014904, OMIM 617082.

gnomAD v4.1: 11 of 1,534,836 alleles (0.00072%); highest among the groups gnomAD compares: South Asian, 0.011%; no homozygotes.

Submissions (2):

Ambry Genetics
Classification: Likely benign for Inborn genetic diseases. Last evaluated: 2022-06-24. Review status: criteria provided, single submitter. Criteria: Ambry Variant Classification Scheme 2023. Collection method: clinical testing. Allele origin: germline.

Labcorp Genetics (formerly Invitae), Labcorp
Classification: Uncertain significance for Congenital disorder of glycosylation, type Iaa. Last evaluated: 2022-05-24. Review status: criteria provided, single submitter. Criteria: Invitae Variant Classification Sherloc (09022015). Collection method: clinical testing. Allele origin: germline.
Comment: Algorithms developed to predict the effect of missense changes on protein structure and function output the following: SIFT: "Tolerated"; PolyPhen-2: "Benign"; Align-GVGD: "Class C0". The serine amino acid residue is found in multiple mammalian species, which suggests that this missense change does not adversely affect protein function. This variant has not been reported in the literature in individuals affected with NUS1-related conditions. This variant is present in population databases (no rsID available, gnomAD 0.01%). This sequence change replaces proline, which is neutral and non-polar, with serine, which is neutral and polar, at codon 72 of the NUS1 protein (p.Pro72Ser). In summary, the available evidence is currently insufficient to determine the role of this variant in disease. Therefore, it has been classified as a Variant of Uncertain Significance.